The following is an entry in ClinVar:

NM_005245.4(FAT1):c.9095T>C (p.Ile3032Thr)

Gene: FAT1 (FAT atypical cadherin 1; minus strand). Cytogenetic location: 4q35.2.
Variant type: single nucleotide variant.
Coding change: c.9095T>C on transcript NM_005245.4 (MANE Select); coding-DNA position 9095, T replaced by C.
Protein change: p.Ile3032Thr; replaces isoleucine 3032 with threonine.
Molecular consequence: missense variant.
Genome position (GRCh38, 1-based): chr4:186,614,325, A>G on the plus strand (T>C on the coding strand, the complement: FAT1 is on the minus strand). VCF-style: chr4-186614325-A-G. GRCh37 (hg19) VCF-style: chr4-187535479-A-G.
Other names: c.9095T>C (NM_005245.3); short protein forms I3032T.
Identifiers: ClinVar variation 972945 (VCV000972945.9), dbSNP rs34805028, ClinGen allele CA3165736.

ClinVar aggregate classification (germline): Benign. Review status: criteria provided, single submitter (1 of 4 stars). 2 submissions from 2 submitters: Benign (1). 1 of the submissions does not count toward it. Last evaluated 2025-11-24.

Conditions:
FAT1-related disorder. Also called: FAT1-related condition.

Allele frequency attached by ClinVar (database versions not stated): gnomAD 0.00016 and 0.00015; gnomAD exomes 0.00017 and 0.00037; TOPMed 0.00020; ExAC 0.00024; ESP Exome Variant Server 0.00033.
gnomAD v4.1: 282 of 1,570,518 alleles (0.018%); highest among the groups gnomAD compares: Middle Eastern, 0.017%; no homozygotes.

Submissions (2):

Labcorp Genetics (formerly Invitae), Labcorp
Classification: Benign. Last evaluated: 2025-11-24. Review status: criteria provided, single submitter. Criteria: Invitae Variant Classification Sherloc (09022015). Collection method: clinical testing. Allele origin: germline.

PreventionGenetics, part of Exact Sciences
Classification: Likely benign for FAT1-related condition. Last evaluated: 2020-12-08. Review status: no assertion criteria provided. Collection method: clinical testing. Allele origin: germline. Not counted in ClinVar's aggregate classification.
Comment: This variant is classified as likely benign based on ACMG/AMP sequence variant interpretation guidelines (Richards et al. 2015 PMID: 25741868, with internal and published modifications).